The following is an entry in ClinVar:

NM_001184.4(ATR):c.3862T>A (p.Ser1288Thr)

Gene: ATR (ATR checkpoint kinase; minus strand). Cytogenetic location: 3q23.
Variant type: single nucleotide variant.
Coding change: c.3862T>A on transcript NM_001184.4 (MANE Select); coding-DNA position 3862, T replaced by A.
Protein change: p.Ser1288Thr; replaces serine 1288 with threonine.
Molecular consequence: missense variant.
Genome position (GRCh38, 1-based): chr3:142,535,163, A>T on the plus strand (T>A on the coding strand, the complement: ATR is on the minus strand). VCF-style: chr3-142535163-A-T. GRCh37 (hg19) VCF-style: chr3-142254005-A-T.
Other names: c.3670T>A, p.Ser1224Thr (NM_001354579.2); short protein forms S1224T, S1288T.
Identifiers: ClinVar variation 2567847 (VCV002567847.2), dbSNP rs2033808211, ClinGen allele CA354806274.

ClinVar aggregate classification (germline): Uncertain significance (1 of 4 stars; one submission).

Conditions:
Inborn genetic diseases. Identifiers: MedGen C0950123, MeSH D030342.

Submission:

Ambry Genetics
Classification: Uncertain significance for Inborn genetic diseases. Last evaluated: 2023-06-05. Review status: criteria provided, single submitter. Criteria: Ambry Variant Classification Scheme 2023. Collection method: clinical testing. Allele origin: germline.
Comment: The p.S1288T variant (also known as c.3862T>A), located in coding exon 21 of the ATR gene, results from a T to A substitution at nucleotide position 3862. The serine at codon 1288 is replaced by threonine, an amino acid with similar properties. This amino acid position is conserved. In addition, this alteration is predicted to be tolerated by in silico analysis. Since supporting evidence is limited at this time, the clinical significance of this alteration remains unclear.